The following is an entry in ClinVar:

NM_004208.4(AIFM1):c.790C>G (p.Pro264Ala)

Genes: AIFM1 (apoptosis inducing factor mitochondria associated 1; minus strand), RAB33A (RAB33A, member RAS oncogene family; plus strand). Cytogenetic location: Xq26.1.
Variant type: single nucleotide variant.
Coding change: c.790C>G on transcript NM_004208.4 (MANE Select); coding-DNA position 790, C replaced by G.
Protein change: p.Pro264Ala; replaces proline 264 with alanine.
Molecular consequence: missense variant. On other transcripts: non-coding transcript variant (1).
Genome position (GRCh38, 1-based): chrX:130,139,863, G>C on the plus strand (C>G on the coding strand, the complement: AIFM1 is on the minus strand). VCF-style: chrX-130139863-G-C. GRCh37 (hg19) VCF-style: chrX-129273838-G-C.
Other names: c.790C>G, p.Pro264Ala (NM_001130847.4); c.778C>G, p.Pro260Ala (NM_145812.3); short protein forms P260A, P264A.
Identifiers: ClinVar variation 2579437 (VCV002579437.1), dbSNP rs2523129670, ClinGen allele CA414582691.

ClinVar aggregate classification (germline): Uncertain significance (1 of 4 stars; one submission).

Submission:

GeneDx
Classification: Uncertain significance. Last evaluated: 2023-03-07. Review status: criteria provided, single submitter. Criteria: GeneDx Variant Classification Process June 2021. Collection method: clinical testing. Allele origin: germline. Affected: yes.
Comment: Not observed at significant frequency in large population cohorts (gnomAD); In silico analysis supports that this missense variant has a deleterious effect on protein structure/function; Has not been previously published as pathogenic or benign to our knowledge